The following is an entry in ClinVar:

NM_017780.4(CHD7):c.6202G>A (p.Val2068Ile)

Gene: CHD7 (chromodomain helicase DNA binding protein 7; plus strand). Cytogenetic location: 8q12.2.
Variant type: single nucleotide variant.
Coding change: c.6202G>A on transcript NM_017780.4 (MANE Select); coding-DNA position 6202, G replaced by A.
Protein change: p.Val2068Ile; replaces valine 2068 with isoleucine.
Molecular consequence: missense variant. On other transcripts: intron variant (1).
Genome position (GRCh38, 1-based): chr8:60,852,927, G>A. VCF-style: chr8-60852927-G-A. GRCh37 (hg19) VCF-style: chr8-61765486-G-A.
Other names: c.1717-9302G>A (NM_001316690.1); short protein forms V2068I.
Identifiers: ClinVar variation 2501616 (VCV002501616.1), dbSNP rs1805524220, ClinGen allele CA371324429.
Genomic context (GRCh38, chr8:60,852,927, plus strand): 5'-GAGGAGCGAGCCTCTCGAACTCTGTACCGCATTGAGCTGCTACGGAAGATCCGCGAGCAG[G>A]TTCTCCATCACCCCCAGCTGGGAGAGAGGCTTAAGCTCTGCCAGCCAAGCTTGGATCTGC-3'
Protein context (NP_060250.2, residues 2058-2078): IELLRKIREQ[Val2068Ile]LHHPQLGERL

ClinVar aggregate classification (germline): Uncertain significance (1 of 4 stars; one submission).

Allele frequency attached by ClinVar (database versions not stated): gnomAD 0.00001.
gnomAD v4.1: 1 of 1,613,836 alleles (0.000062%); highest among the groups gnomAD compares: South Asian, 0.0011%; no homozygotes.

Submission:

GeneDx
Classification: Uncertain significance. Last evaluated: 2022-11-04. Review status: criteria provided, single submitter. Criteria: GeneDx Variant Classification Process June 2021. Collection method: clinical testing. Allele origin: germline. Affected: yes.
Comment: Not observed at significant frequency in large population cohorts (gnomAD); In silico analysis supports that this missense variant does not alter protein structure/function; Has not been previously published as pathogenic or benign to our knowledge